The following is an entry in ClinVar:

NM_024529.5(CDC73):c.349G>A (p.Gly117Ser)

Gene: CDC73 (cell division cycle 73; plus strand). Cytogenetic location: 1q31.2.
Variant type: single nucleotide variant.
Coding change: c.349G>A on transcript NM_024529.5 (MANE Select); coding-DNA position 349, G replaced by A.
Protein change: p.Gly117Ser; replaces glycine 117 with serine.
Molecular consequence: missense variant.
Genome position (GRCh38, 1-based): chr1:193,135,432, G>A. VCF-style: chr1-193135432-G-A. GRCh37 (hg19) VCF-style: chr1-193104562-G-A.
Other names: short protein forms G117S.
Identifiers: ClinVar variation 966203 (VCV000966203.10), dbSNP rs1675774944, ClinGen allele CA343960459.

ClinVar aggregate classification (germline): Uncertain significance (1 of 4 stars; one submission).

Conditions:
Parathyroid carcinoma (PRTC). Also called: CDC73-Related Parathyroid Carcinoma; Parathyroid gland carcinoma. Identifiers: Orphanet 143, MedGen C0687150, MONDO:0012004, OMIM 608266, HP:0006780.

Submission:

Labcorp Genetics (formerly Invitae), Labcorp
Classification: Uncertain significance for Parathyroid carcinoma. Last evaluated: 2022-03-05. Review status: criteria provided, single submitter. Criteria: Invitae Variant Classification Sherloc (09022015). Collection method: clinical testing. Allele origin: germline.
Comment: This variant has not been reported in the literature in individuals affected with CDC73-related conditions. This sequence change replaces glycine, which is neutral and non-polar, with serine, which is neutral and polar, at codon 117 of the CDC73 protein (p.Gly117Ser). This variant is not present in population databases (gnomAD no frequency). ClinVar contains an entry for this variant (Variation ID: 966203). Algorithms developed to predict the effect of missense changes on protein structure and function are either unavailable or do not agree on the potential impact of this missense change (SIFT: "Deleterious"; PolyPhen-2: "Benign"; Align-GVGD: "Class C0"). In summary, the available evidence is currently insufficient to determine the role of this variant in disease. Therefore, it has been classified as a Variant of Uncertain Significance.